The following is an entry in ClinVar:

ClinVar aggregate classification (germline): Benign/Likely benign. Review status: criteria provided, multiple submitters, no conflicts (2 of 4 stars). 3 submissions from 3 submitters: Benign (1); Likely benign (2). Last evaluated 2026-03-11.

Conditions:
WIPF1-related disorder. Also called: WIPF1-related condition.
Wiskott-Aldrich syndrome 2 (WAS2). Also called: WIPF1 DEFICIENCY. Identifiers: Orphanet 906, MedGen C3281001, MONDO:0013779, OMIM 614493.

Allele frequency attached by ClinVar (database versions not stated): gnomAD below 0.00001 and 0.00008; TOPMed 0.00002; gnomAD exomes 0.00022 and 0.00050; ExAC 0.00055; 1000 Genomes Project 0.00060; 1000 Genomes Project 30x 0.00062.
gnomAD v4.1: 336 of 1,614,080 alleles (0.021%); highest among the groups gnomAD compares: South Asian, 0.35%; 6 homozygotes.

Submissions (3):

PreventionGenetics, part of Exact Sciences
Classification: Likely benign for WIPF1-related condition. Last evaluated: 2026-03-11. Review status: criteria provided, single submitter. Criteria: ACMG Guidelines, 2015. Collection method: clinical testing. Allele origin: germline.
Comment: This variant is classified as likely benign based on ACMG/AMP sequence variant interpretation guidelines (Richards et al. 2015 PMID: 25741868, with internal and published modifications).

Labcorp Genetics (formerly Invitae), Labcorp
Classification: Benign for Wiskott-Aldrich syndrome 2. Last evaluated: 2025-08-15. Review status: criteria provided, single submitter. Criteria: Invitae Variant Classification Sherloc (09022015). Collection method: clinical testing. Allele origin: germline.

Blueprint Genetics
Classification: Likely benign. Last evaluated: 2023-04-28. Review status: criteria provided, single submitter. Criteria: ACMG Guidelines, 2015. Collection method: clinical testing. Allele origin: germline.

NM_001375834.1(WIPF1):c.1227T>C (p.Ser409=)

Gene: WIPF1 (WAS/WASL interacting protein family member 1; minus strand). Cytogenetic location: 2q31.1.
Variant type: single nucleotide variant.
Coding change: c.1227T>C on transcript NM_001375834.1 (MANE Select); coding-DNA position 1227, T replaced by C.
Protein change: p.Ser409=; no amino-acid change (serine 409 retained).
Molecular consequence: synonymous variant.
Genome position (GRCh38, 1-based): chr2:174,567,976, A>G on the plus strand (T>C on the coding strand, the complement: WIPF1 is on the minus strand). VCF-style: chr2-174567976-A-G. GRCh37 (hg19) VCF-style: chr2-175432704-A-G.
Other names: c.1227T>C, p.Ser409= (NM_001077269.1, NM_001375832.1, NM_001375833.1 and 2 more transcripts); c.849T>C, p.Ser283= (NM_001375839.1).
Identifiers: ClinVar variation 728142 (VCV000728142.13), dbSNP rs577852991, ClinGen allele CA1973952.